The following is an entry in ClinVar:

NM_000384.3(APOB):c.5335T>C (p.Phe1779Leu)

Gene: APOB (apolipoprotein B; minus strand). Cytogenetic location: 2p24.1.
Variant type: single nucleotide variant.
Coding change: c.5335T>C on transcript NM_000384.3 (MANE Select); coding-DNA position 5335, T replaced by C.
Protein change: p.Phe1779Leu; replaces phenylalanine 1779 with leucine.
Molecular consequence: missense variant.
Genome position (GRCh38, 1-based): chr2:21,011,533, A>G on the plus strand (T>C on the coding strand, the complement: APOB is on the minus strand). VCF-style: chr2-21011533-A-G. GRCh37 (hg19) VCF-style: chr2-21234405-A-G.
Other names: short protein forms F1779L.
Identifiers: ClinVar variation 5027722 (VCV005027722.1).

ClinVar aggregate classification (germline): Uncertain significance (1 of 4 stars; one submission).

Conditions:
Cardiovascular phenotype. Identifiers: MedGen CN230736.

Submission:

Ambry Genetics
Classification: Uncertain significance for Cardiovascular phenotype. Last evaluated: 2026-07-21. Review status: criteria provided, single submitter. Criteria: Ambry Variant Classification Scheme 2023. Collection method: clinical testing. Allele origin: germline.
Comment: The p.F1779L variant (also known as c.5335T>C), located in coding exon 26 of the APOB gene, results from a T to C substitution at nucleotide position 5335. The phenylalanine at codon 1779 is replaced by leucine, an amino acid with highly similar properties. This amino acid position is conserved. In addition, this alteration is predicted to be tolerated by in silico analysis. Based on the available evidence, the clinical significance of this variant remains unclear.